The following is an entry in ClinVar:

ClinVar aggregate classification (germline): Uncertain significance (1 of 4 stars; one submission).

Conditions:
Neuropathy, hereditary sensory, type 1F. Also called: HSN IF; Hereditary sensory neuropathy type IF. Identifiers: Orphanet 36386, MedGen C3810194, MONDO:0014286, OMIM 615632.

Allele frequency attached by ClinVar (database versions not stated): gnomAD exomes below 0.00001.
gnomAD v4.1: 4 of 1,611,722 alleles (0.00025%); highest among the groups gnomAD compares: Non-Finnish European, 0.00025%; no homozygotes.

Submission:

Labcorp Genetics (formerly Invitae), Labcorp
Classification: Uncertain significance for Neuropathy, hereditary sensory, type 1F. Last evaluated: 2023-12-27. Review status: criteria provided, single submitter. Criteria: Invitae Variant Classification Sherloc (09022015). Collection method: clinical testing. Allele origin: germline.
Comment: This sequence change replaces tyrosine, which is neutral and polar, with cysteine, which is neutral and slightly polar, at codon 219 of the ATL3 protein (p.Tyr219Cys). This variant is not present in population databases (gnomAD no frequency). This variant has not been reported in the literature in individuals affected with ATL3-related conditions. Advanced modeling of protein sequence and biophysical properties (such as structural, functional, and spatial information, amino acid conservation, physicochemical variation, residue mobility, and thermodynamic stability) performed at Invitae indicates that this missense variant is expected to disrupt ATL3 protein function with a positive predictive value of 80%. In summary, the available evidence is currently insufficient to determine the role of this variant in disease. Therefore, it has been classified as a Variant of Uncertain Significance.

NM_015459.5(ATL3):c.656A>G (p.Tyr219Cys)

Genes: ATL3 (atlastin GTPase 3; minus strand), LNCROPM (lncRNA regulator of PLAAT3 mediated phospholipid metabolism; plus strand). Cytogenetic location: 11q13.1.
Variant type: single nucleotide variant.
Coding change: c.656A>G on transcript NM_015459.5 (MANE Select); coding-DNA position 656, A replaced by G.
Protein change: p.Tyr219Cys; replaces tyrosine 219 with cysteine.
Molecular consequence: missense variant.
Genome position (GRCh38, 1-based): chr11:63,644,224, T>C on the plus strand (A>G on the coding strand, the complement: ATL3 is on the minus strand). VCF-style: chr11-63644224-T-C. GRCh37 (hg19) VCF-style: chr11-63411696-T-C.
Other names: c.602A>G, p.Tyr201Cys (NM_001290048.2); short protein forms Y201C, Y219C.
Identifiers: ClinVar variation 2801275 (VCV002801275.3), dbSNP rs2495657834, ClinGen allele CA381024630.